The following is an entry in ClinVar:

ClinVar aggregate classification (germline): Uncertain significance (1 of 4 stars; one submission).

Conditions:
Autosomal recessive distal spinal muscular atrophy 2. Also called: NEURONOPATHY, DISTAL HEREDITARY MOTOR, JERASH TYPE; NEUROPATHY, DISTAL HEREDITARY MOTOR, JERASH TYPE; SPINAL MUSCULAR ATROPHY, JERASH TYPE; NEUROPATHY, DISTAL HEREDITARY MOTOR, AUTOSOMAL RECESSIVE 2; Hereditary motor neuropathy, Jerash type; Motor neuropathy, distal, Jerash type. Identifiers: Orphanet 139552, MedGen C1854023, MONDO:0011585, OMIM 605726.
Amyotrophic lateral sclerosis type 16. Also called: AMYOTROPHIC LATERAL SCLEROSIS 16, JUVENILE. Identifiers: Orphanet 300605, MedGen C3280587, MONDO:0013715, OMIM 614373.

Submission:

Labcorp Genetics (formerly Invitae), Labcorp
Classification: Uncertain significance for Autosomal recessive distal spinal muscular atrophy 2; Amyotrophic lateral sclerosis type 16. Last evaluated: 2025-01-06. Review status: criteria provided, single submitter. Criteria: Invitae Variant Classification Sherloc (09022015). Collection method: clinical testing. Allele origin: germline.
Comment: This sequence change replaces leucine, which is neutral and non-polar, with proline, which is neutral and non-polar, at codon 30 of the SIGMAR1 protein (p.Leu30Pro). This variant is not present in population databases (gnomAD no frequency). This variant has not been reported in the literature in individuals affected with SIGMAR1-related conditions. ClinVar contains an entry for this variant (Variation ID: 1025205). An algorithm developed to predict the effect of missense changes on protein structure and function (PolyPhen-2) suggests that this variant is likely to be disruptive. In summary, the available evidence is currently insufficient to determine the role of this variant in disease. Therefore, it has been classified as a Variant of Uncertain Significance.

NM_005866.4(SIGMAR1):c.89T>C (p.Leu30Pro)

Genes: SIGMAR1 (sigma receptor chaperone 1; minus strand), LOC130001681 (ATAC-STARR-seq lymphoblastoid silent region 19853; plus strand). Cytogenetic location: 9p13.3.
Variant type: single nucleotide variant.
Coding change: c.89T>C on transcript NM_005866.4 (MANE Select); coding-DNA position 89, T replaced by C.
Protein change: p.Leu30Pro; replaces leucine 30 with proline.
Molecular consequence: missense variant. On other transcripts: 5 prime UTR variant (1), non-coding transcript variant (1).
Genome position (GRCh38, 1-based): chr9:34,637,609, A>G on the plus strand (T>C on the coding strand, the complement: SIGMAR1 is on the minus strand). VCF-style: chr9-34637609-A-G. GRCh37 (hg19) VCF-style: chr9-34637606-A-G.
Other names: c.89T>C, p.Leu30Pro (NM_001282205.2, NM_001282207.2, NM_001282208.2 and 2 more transcripts); c.-165T>C (NM_001282206.2); short protein forms L30P.
Identifiers: ClinVar variation 1025205 (VCV001025205.9), dbSNP rs1820931363, ClinGen allele CA373275598.
Genomic context (GRCh38, chr9:34,637,609, plus strand): 5'-GCGTACTGCCGCGCCAACTGCGCTATCTCTTCGCGCTGGAAGACGAAGCTCTGCGTACCC[A>G]GCCAGAGCCAGACGACCTGGGTCAGCACCGCTGCGACAGCCAGGAGCAGCGCGGCCCACG-3'
Protein context (NP_005857.1, residues 20-40): AVLTQVVWLW[Leu30Pro]GTQSFVFQRE